The following is an entry in ClinVar:

NM_001370348.2(PHF3):c.2028A>C (p.Arg676Ser)

Genes: PHF3 (PHD finger protein 3; plus strand), LOC129996682 (ATAC-STARR-seq lymphoblastoid active region 24722; plus strand). Cytogenetic location: 6q12.
Variant type: single nucleotide variant.
Coding change: c.2028A>C on transcript NM_001370348.2 (MANE Select); coding-DNA position 2028, A replaced by C.
Protein change: p.Arg676Ser; replaces arginine 676 with serine.
Molecular consequence: missense variant. On other transcripts: intron variant (1).
Genome position (GRCh38, 1-based): chr6:63,685,750, A>C. VCF-style: chr6-63685750-A-C. GRCh37 (hg19) VCF-style: chr6-64395651-A-C.
Other names: c.1764A>C, p.Arg588Ser (NM_001290259.2, NM_001370349.2); c.2028A>C, p.Arg676Ser (NM_001290260.2, NM_015153.4); c.-5+5589A>C (NM_001370350.2); short protein forms R588S, R676S.
Identifiers: ClinVar variation 3898316 (VCV003898316.7).

ClinVar aggregate classification (germline): Likely benign (1 of 4 stars; one submission).

gnomAD v4.1: 66 of 1,614,138 alleles (0.0041%); highest among the groups gnomAD compares: South Asian, 0.0099%; no homozygotes.

Submission:

CeGaT Center for Human Genetics Tuebingen
Classification: Likely benign. Last evaluated: 2025-04-01. Review status: criteria provided, single submitter. Criteria: CeGaT Center For Human Genetics Tuebingen Variant Classification Criteria Version 2. Collection method: clinical testing. Allele origin: germline. Affected: yes. Observed: 1 variant allele.
Comment: PHF3: BP4